The following is an entry in ClinVar:

ClinVar aggregate classification (germline): Uncertain significance. Review status: criteria provided, multiple submitters, no conflicts (2 of 4 stars). 3 submissions from 3 submitters: Uncertain significance (3). Last evaluated 2025-08-29.

Conditions:
Inborn genetic diseases. Identifiers: MedGen C0950123, MeSH D030342.
Congenital stationary night blindness 1C. Also called: Night blindness, congenital stationary (complete), 1C, autosomal recessive. Identifiers: Orphanet 215, MedGen C2750747, MONDO:0013183, OMIM 613216.

Allele frequency attached by ClinVar (database versions not stated): gnomAD 0.00001; TOPMed 0.00001; ExAC 0.00002; gnomAD exomes 0.00002.
gnomAD v4.1: 17 of 1,613,116 alleles (0.0011%); highest among the groups gnomAD compares: Non-Finnish European, 0.0014%; no homozygotes.

Submissions (3):

Ambry Genetics
Classification: Uncertain significance for Inborn genetic diseases. Last evaluated: 2025-08-29. Review status: criteria provided, single submitter. Criteria: Ambry Variant Classification Scheme 2023. Collection method: clinical testing. Allele origin: germline.

Labcorp Genetics (formerly Invitae), Labcorp
Classification: Uncertain significance. Last evaluated: 2024-11-11. Review status: criteria provided, single submitter. Criteria: Invitae Variant Classification Sherloc (09022015). Collection method: clinical testing. Allele origin: germline.
Comment: This sequence change replaces lysine, which is basic and polar, with methionine, which is neutral and non-polar, at codon 1591 of the TRPM1 protein (p.Lys1591Met). The frequency data for this variant in the population databases is considered unreliable, as metrics indicate poor data quality at this position in the gnomAD database. This variant has not been reported in the literature in individuals affected with TRPM1-related conditions. ClinVar contains an entry for this variant (Variation ID: 315486). Invitae Evidence Modeling of protein sequence and biophysical properties (such as structural, functional, and spatial information, amino acid conservation, physicochemical variation, residue mobility, and thermodynamic stability) indicates that this missense variant is not expected to disrupt TRPM1 protein function with a negative predictive value of 95%. In summary, the available evidence is currently insufficient to determine the role of this variant in disease. Therefore, it has been classified as a Variant of Uncertain Significance.

Illumina Laboratory Services, Illumina
Classification: Uncertain significance for Congenital stationary night blindness 1C. Last evaluated: 2018-01-13. Review status: criteria provided, single submitter. Criteria: ICSL Variant Classification Criteria 13 December 2019. Collection method: clinical testing. Allele origin: germline.

NM_001252024.2(TRPM1):c.4838A>T (p.Lys1613Met)

Gene: TRPM1 (transient receptor potential cation channel subfamily M member 1; minus strand). Cytogenetic location: 15q13.3.
Variant type: single nucleotide variant.
Coding change: c.4838A>T on transcript NM_001252024.2 (MANE Select); coding-DNA position 4838, A replaced by T.
Protein change: p.Lys1613Met; replaces lysine 1613 with methionine.
Molecular consequence: missense variant.
Genome position (GRCh38, 1-based): chr15:31,001,862, T>A on the plus strand (A>T on the coding strand, the complement: TRPM1 is on the minus strand). VCF-style: chr15-31001862-T-A. GRCh37 (hg19) VCF-style: chr15-31294065-T-A.
Other names: c.4772A>T (NM_002420.4); c.4889A>T, p.Lys1630Met (NM_001252020.2); c.4772A>T, p.Lys1591Met (NM_002420.6); short protein forms K1591M, K1613M, K1630M.
Identifiers: ClinVar variation 315486 (VCV000315486.8), dbSNP rs753089696, ClinGen allele CA7451568.